The following is an entry in ClinVar:

NM_000285.4(PEPD):c.1281G>A (p.Ala427=)

Gene: PEPD (peptidase D; minus strand). Cytogenetic location: 19q13.11.
Variant type: single nucleotide variant.
Coding change: c.1281G>A on transcript NM_000285.4 (MANE Select); coding-DNA position 1281, G replaced by A.
Protein change: p.Ala427=; no amino-acid change (alanine 427 retained).
Molecular consequence: synonymous variant.
Genome position (GRCh38, 1-based): chr19:33,387,953, C>T on the plus strand (G>A on the coding strand, the complement: PEPD is on the minus strand). VCF-style: chr19-33387953-C-T. GRCh37 (hg19) VCF-style: chr19-33878859-C-T.
Other names: c.1158G>A, p.Ala386= (NM_001166056.2); c.1089G>A, p.Ala363= (NM_001166057.2).
Identifiers: ClinVar variation 328794 (VCV000328794.37), dbSNP rs183038027, ClinGen allele CA9363941.

ClinVar aggregate classification (germline): Likely benign. Review status: criteria provided, multiple submitters, no conflicts (2 of 4 stars). 2 submissions from 2 submitters: Likely benign (2). Last evaluated 2025-09-28.

Allele frequency attached by ClinVar (database versions not stated): ExAC 0.00004; TOPMed 0.00004; gnomAD 0.00005 and 0.00007; gnomAD exomes 0.00006; 1000 Genomes Project 30x 0.00016; 1000 Genomes Project 0.00020.
gnomAD v4.1: 92 of 1,597,518 alleles (0.0058%); highest among the groups gnomAD compares: African/African-American, 0.008%; no homozygotes.

Submissions (2):

Labcorp Genetics (formerly Invitae), Labcorp
Classification: Likely benign. Last evaluated: 2025-09-28. Review status: criteria provided, single submitter. Criteria: Invitae Variant Classification Sherloc (09022015). Collection method: clinical testing. Allele origin: germline.

CeGaT Center for Human Genetics Tuebingen
Classification: Likely benign. Last evaluated: 2022-06-01. Review status: criteria provided, single submitter. Criteria: CeGaT Center For Human Genetics Tuebingen Variant Classification Criteria Version 2. Collection method: clinical testing. Allele origin: germline. Affected: yes. Observed: 1 variant allele.
Comment: PEPD: BP4, BP7